The following is an entry in ClinVar:

ClinVar aggregate classification (germline): Uncertain significance. Review status: criteria provided, multiple submitters, no conflicts (2 of 4 stars). 2 submissions from 2 submitters: Uncertain significance (2). Last evaluated 2024-04-20.

Conditions:
T-B+ severe combined immunodeficiency due to JAK3 deficiency. Also called: SCID, T CELL-NEGATIVE, B CELL-POSITIVE, NK CELL-NEGATIVE; SCID, autosomal recessive, T-negative/B-positive type. Identifiers: Orphanet 35078, MedGen C1833275, MONDO:0010938, OMIM 600802.
Inborn genetic diseases. Identifiers: MedGen C0950123, MeSH D030342.

Allele frequency attached by ClinVar (database versions not stated): gnomAD exomes below 0.00001; gnomAD 0.00001; ExAC 0.00002; TOPMed 0.00003; ESP Exome Variant Server 0.00015; 1000 Genomes Project 30x 0.00016; 1000 Genomes Project 0.00020.
gnomAD v4.1: 6 of 1,613,776 alleles (0.00037%); highest among the groups gnomAD compares: African/African-American, 0.008%; no homozygotes.

Submissions (2):

Ambry Genetics
Classification: Uncertain significance for Inborn genetic diseases. Last evaluated: 2024-04-20. Review status: criteria provided, single submitter. Criteria: Ambry Variant Classification Scheme 2023. Collection method: clinical testing. Allele origin: germline.

Labcorp Genetics (formerly Invitae), Labcorp
Classification: Uncertain significance for T-B+ severe combined immunodeficiency due to JAK3 deficiency. Last evaluated: 2022-06-27. Review status: criteria provided, single submitter. Criteria: Invitae Variant Classification Sherloc (09022015). Collection method: clinical testing. Allele origin: germline.
Comment: This sequence change replaces phenylalanine, which is neutral and non-polar, with serine, which is neutral and polar, at codon 602 of the JAK3 protein (p.Phe602Ser). This variant is not present in population databases (gnomAD no frequency). This variant has not been reported in the literature in individuals affected with JAK3-related conditions. ClinVar contains an entry for this variant (Variation ID: 1011563). Algorithms developed to predict the effect of missense changes on protein structure and function (SIFT, PolyPhen-2, Align-GVGD) all suggest that this variant is likely to be disruptive. In summary, the available evidence is currently insufficient to determine the role of this variant in disease. Therefore, it has been classified as a Variant of Uncertain Significance.

NM_000215.4(JAK3):c.1805T>C (p.Phe602Ser)

Gene: JAK3 (Janus kinase 3; minus strand). Cytogenetic location: 19p13.11.
Variant type: single nucleotide variant.
Coding change: c.1805T>C on transcript NM_000215.4 (MANE Select); coding-DNA position 1805, T replaced by C.
Protein change: p.Phe602Ser; replaces phenylalanine 602 with serine.
Molecular consequence: missense variant.
Genome position (GRCh38, 1-based): chr19:17,836,033, A>G on the plus strand (T>C on the coding strand, the complement: JAK3 is on the minus strand). VCF-style: chr19-17836033-A-G. GRCh37 (hg19) VCF-style: chr19-17946842-A-G.
Other names: c.1805T>C (NM_000215.3); short protein forms F602S.
Identifiers: ClinVar variation 1011563 (VCV001011563.7), dbSNP rs147408277, ClinGen allele CA9301748.